The following is an entry in ClinVar:

NM_004273.5(CHST3):c.268C>T (p.Leu90Phe)

Gene: CHST3 (carbohydrate sulfotransferase 3; plus strand). Cytogenetic location: 10q22.1.
Variant type: single nucleotide variant.
Coding change: c.268C>T on transcript NM_004273.5 (MANE Select); coding-DNA position 268, C replaced by T.
Protein change: p.Leu90Phe; replaces leucine 90 with phenylalanine.
Molecular consequence: missense variant.
Genome position (GRCh38, 1-based): chr10:72,007,299, C>T. VCF-style: chr10-72007299-C-T. GRCh37 (hg19) VCF-style: chr10-73767057-C-T.
Other names: c.268C>T (NM_004273.4); short protein forms L90F.
Identifiers: ClinVar variation 2055024 (VCV002055024.2), dbSNP rs146344177, ClinGen allele CA209479010.

ClinVar aggregate classification (germline): Uncertain significance. Review status: criteria provided, multiple submitters, no conflicts (2 of 4 stars). 2 submissions from 2 submitters: Uncertain significance (2). Last evaluated 2024-06-22.

Conditions:
Inborn genetic diseases. Identifiers: MedGen C0950123, MeSH D030342.
Spondyloepiphyseal dysplasia with congenital joint dislocations (SEDCJD). Also called: Chondrodysplasia with Congenital Joint Dislocations, CHST3-Related. Identifiers: Orphanet 263463, MedGen C1837657, MONDO:0007738, OMIM 143095.

Allele frequency attached by ClinVar (database versions not stated): gnomAD exomes 0.00002; gnomAD 0.00004; TOPMed 0.00004; ESP Exome Variant Server 0.00008.
gnomAD v4.1: 39 of 1,613,510 alleles (0.0024%); highest among the groups gnomAD compares: Non-Finnish European, 0.0031%; no homozygotes.

Submissions (2):

Ambry Genetics
Classification: Uncertain significance for Inborn genetic diseases. Last evaluated: 2024-06-22. Review status: criteria provided, single submitter. Criteria: Ambry Variant Classification Scheme 2023. Collection method: clinical testing. Allele origin: germline.

Labcorp Genetics (formerly Invitae), Labcorp
Classification: Uncertain significance for Spondyloepiphyseal dysplasia with congenital joint dislocations. Last evaluated: 2022-05-06. Review status: criteria provided, single submitter. Criteria: Invitae Variant Classification Sherloc (09022015). Collection method: clinical testing. Allele origin: germline.
Comment: This sequence change replaces leucine, which is neutral and non-polar, with phenylalanine, which is neutral and non-polar, at codon 90 of the CHST3 protein (p.Leu90Phe). This variant is present in population databases (rs146344177, gnomAD 0.006%). This variant has not been reported in the literature in individuals affected with CHST3-related conditions. Algorithms developed to predict the effect of missense changes on protein structure and function (SIFT, PolyPhen-2, Align-GVGD) all suggest that this variant is likely to be tolerated. In summary, the available evidence is currently insufficient to determine the role of this variant in disease. Therefore, it has been classified as a Variant of Uncertain Significance.